The following is an entry in ClinVar:

NM_001243133.2(NLRP3):c.1213A>C (p.Thr405Pro)

Gene: NLRP3 (NLR family pyrin domain containing 3; plus strand). Cytogenetic location: 1q44.
Variant type: single nucleotide variant.
Coding change: c.1213A>C on transcript NM_001243133.2 (MANE Select); coding-DNA position 1213, A replaced by C.
Protein change: p.Thr405Pro; replaces threonine 405 with proline.
Molecular consequence: missense variant.
Genome position (GRCh38, 1-based): chr1:247,424,662, A>C. VCF-style: chr1-247424662-A-C. GRCh37 (hg19) VCF-style: chr1-247587964-A-C.
Other names: c.1213A>C, p.Thr405Pro (NM_001079821.3, NM_001127461.3, NM_001127462.3 and 1 more transcripts); c.1219A>C, p.Thr407Pro (NM_004895.5); short protein forms T407P, T405P.
Identifiers: ClinVar variation 97916 (VCV000097916.7), dbSNP rs180177445, ClinGen allele CA281145.

ClinVar aggregate classification (germline): Pathogenic/Likely pathogenic. Review status: criteria provided, multiple submitters, no conflicts (2 of 4 stars). 3 submissions from 3 submitters: Pathogenic (1); Likely pathogenic (1). 1 of the submissions does not count toward it. Last evaluated 2021-11-22.

Conditions:
Cryopyrin associated periodic syndrome (CAPS). Identifiers: Orphanet 208650, MedGen C2316212, MONDO:0016168.
Familial cold autoinflammatory syndrome 1 (FCAS1). Also called: Familial cold inflammatory syndrome 1; CRYOPYRIN-ASSOCIATED PERIODIC SYNDROME 1. Identifiers: Orphanet 47045, MedGen C4551895, MONDO:0007349, OMIM 120100.

Submissions (3):

Labcorp Genetics (formerly Invitae), Labcorp
Classification: Pathogenic for Cryopyrin associated periodic syndrome. Last evaluated: 2021-11-22. Review status: criteria provided, single submitter. Criteria: Invitae Variant Classification Sherloc (09022015). Collection method: clinical testing. Allele origin: germline.
Comment: For these reasons, this variant has been classified as Pathogenic. Algorithms developed to predict the effect of missense changes on protein structure and function are either unavailable or do not agree on the potential impact of this missense change (SIFT: "Deleterious"; PolyPhen-2: "Possibly Damaging"; Align-GVGD: "Class C0"). ClinVar contains an entry for this variant (Variation ID: 97916). This variant is also known as c.1213A>C, p.Thr405Pro, and T405P. This missense change has been observed in individual(s) with NLRP3-related conditions (PMID: 14630794, 21058222, 22566169, 33020839). In at least one individual the variant was observed to be de novo. This variant is not present in population databases (gnomAD no frequency). This sequence change replaces threonine, which is neutral and polar, with proline, which is neutral and non-polar, at codon 407 of the NLRP3 protein (p.Thr407Pro).

GeneDx
Classification: Likely pathogenic. Last evaluated: 2018-08-28. Review status: criteria provided, single submitter. Criteria: GeneDx Variant Classification (06012015). Collection method: clinical testing. Allele origin: germline. Affected: yes.
Comment: The T407P variant, referred to as T405P using alternate nomenclature, has been published previously in association with CINCA syndrome and CAPS (Neven et al., 2004; Lainka et al., 2010; Jesus et al., 2012). The variant is not observed in large population cohorts (Lek et al., 2016). T407P is a non-conservative amino acid substitution, which is likely to impact secondary protein structure as these residues differ in polarity, charge, size and/or other properties. In-silico analyses, including protein predictors and evolutionary conservation, support a deleterious effect. The variant is located within the NACHT domain, which is a major locus of CAPS-associated pathogenic variants (Masters et al., 2009). We consider this variant to be likely pathogenic.

Unité médicale des maladies autoinflammatoires, CHRU Montpellier
No classification provided. Condition: Familial cold urticaria. Review status: no classification provided. Collection method: not provided. Allele origin: unknown. Not counted in ClinVar's aggregate classification.
Comment: also involved in OMIM 191900 and 607115

Literature cited by the submitters: PubMed 14630794 (cited by Labcorp Genetics (formerly Invitae), Labcorp); PubMed 21058222 (cited by Labcorp Genetics (formerly Invitae), Labcorp); PubMed 22566169 (cited by Labcorp Genetics (formerly Invitae), Labcorp); PubMed 33020839 (cited by Labcorp Genetics (formerly Invitae), Labcorp).